The following is an entry in ClinVar:

NM_014633.5(CTR9):c.2196_2198del (p.Leu733del)

Gene: CTR9 (CTR9 homolog, Paf1/RNA polymerase II complex component; plus strand). Cytogenetic location: 11p15.4.
Variant type: Deletion.
Coding change: c.2196_2198del on transcript NM_014633.5 (MANE Select); coding-DNA positions 2196 to 2198, 3 bases deleted (GTT; older notation c.2196_2198delGTT).
Protein change: p.Leu733del; deletes leucine 733.
Molecular consequence: inframe deletion.
Genome position (GRCh38, 1-based): chr11:10,770,296-10,770,298, GTT deleted. VCF-style (leftmost placement, unchanged base first): chr11-10770295-AGTT-A. GRCh37 (hg19) VCF-style: chr11-10791842-AGTT-A.
Other names: c.2196_2198del, p.Leu733del (NM_001346279.2); short protein forms L733del.
Identifiers: ClinVar variation 3899581 (VCV003899581.1).

ClinVar aggregate classification (germline): Uncertain significance (1 of 4 stars; one submission).

Submission:

GeneDx
Classification: Uncertain significance. Last evaluated: 2024-11-13. Review status: criteria provided, single submitter. Criteria: GeneDx Variant Classification Process June 2021. Collection method: clinical testing. Allele origin: germline. Affected: yes.
Comment: Not observed at significant frequency in large population cohorts (gnomAD); In-frame deletion of 1 amino acid in a non-repeat region; In silico analysis supports a deleterious effect on protein structure/function; Has not been previously published as pathogenic or benign to our knowledge